The following is an entry in ClinVar:

ClinVar aggregate classification (germline): Pathogenic (1 of 4 stars; one submission).

Conditions:
Fabry disease. Also called: Fabry's disease; ALPHA-GALACTOSIDASE A DEFICIENCY; ANDERSON-FABRY DISEASE; CERAMIDE TRIHEXOSIDASE DEFICIENCY; GLA DEFICIENCY; HEREDITARY DYSTOPIC LIPIDOSIS. Identifiers: Orphanet 324, MedGen C0002986, MONDO:0010526, OMIM 301500, HP:0001071. Disease mechanism: Fabry disease is due to inactivating mutations in the X-linked GLA gene resulting in deficiency of the enzyme Alpha Galactosidase-A., loss of function.

Submission:

Labcorp Genetics (formerly Invitae), Labcorp
Classification: Pathogenic for Fabry disease. Last evaluated: 2025-11-05. Review status: criteria provided, single submitter. Criteria: Invitae Variant Classification Sherloc (09022015). Collection method: clinical testing. Allele origin: germline.
Comment: This sequence change creates a premature translational stop signal (p.Asn53Lysfs*3) in the GLA gene. It is expected to result in an absent or disrupted protein product. Loss-of-function variants in GLA are known to be pathogenic (PMID: 10666480, 12175777). This variant is not present in population databases (gnomAD no frequency). This variant has not been reported in the literature in individuals affected with GLA-related conditions. For these reasons, this variant has been classified as Pathogenic.

Literature cited by the submitters: PubMed 10666480; PubMed 12175777.

NM_000169.3(GLA):c.158dup (p.Asn53fs)

Genes: GLA (galactosidase alpha; minus strand), RPL36A-HNRNPH2 (RPL36A-HNRNPH2 readthrough; plus strand). Cytogenetic location: Xq22.1.
Variant type: Duplication.
Coding change: c.158dup on transcript NM_000169.3 (MANE Select); coding-DNA position 158, one base duplicated (A; older notation c.158dupA).
Protein change: p.Asn53fs; shifts the reading frame from asparagine 53.
Molecular consequence: frameshift variant. On other transcripts: non-coding transcript variant (3), intron variant (2).
Genome position (GRCh38, 1-based): chrX:101,407,746, T duplicated on the plus strand (A on the coding strand, the reverse complement: GLA is on the minus strand); the first of 2 consecutive T bases (chrX:101,407,746-101,407,747); duplicating either gives the same sequence. VCF-style (leftmost placement, unchanged base first): chrX-101407745-G-GT. GRCh37 (hg19) VCF-style: chrX-100662733-G-GT.
Other names: c.158dup, p.Asn53fs (NM_001406747.1, NM_001406748.1, NM_001406749.1); c.301-4189dup (NM_001199973.2); c.178-4189dup (NM_001199974.2); short protein forms N53fs.
Identifiers: ClinVar variation 4730288 (VCV004730288.1).